The following is an entry in ClinVar:

ClinVar aggregate classification (germline): Pathogenic (1 of 4 stars; one submission).

Conditions:
Abetalipoproteinaemia (ABL). Also called: MTP DEFICIENCY; Abetalipoproteinemia; Abetalipoproteinemia neuropathy; Apolipoprotein B deficiency; Congenital betalipoprotein deficiency syndrome. Identifiers: Orphanet 14, MedGen C0000744, MONDO:0008692, OMIM 200100, HP:0008181.

Submission:

Myriad Genetics, Inc.
Classification: Pathogenic for Abetalipoproteinaemia. Last evaluated: 2024-05-14. Review status: criteria provided, single submitter. Criteria: Myriad Autosomal Dominant, Autosomal Recessive and X-Linked Classification Criteria (2023). Collection method: clinical testing. Allele origin: unknown.
Comment: NM_000253.2(MTTP):c.749del1ins18(I250Tfs*13) is expected to be pathogenic in the context of abetalipoproteinemia. This variant is predicted to lead to an abnormal or absent protein product due to the creation of a premature termination codon in MTTP, a gene where loss-of-function variants are known to be pathogenic. Please note: this variant was assessed in the context of healthy population screening.

NM_001386140.1(MTTP):c.749delinsCAGATGTGTATAAGAGAC (p.Ile250fs)

Gene: MTTP (microsomal triglyceride transfer protein; plus strand). Cytogenetic location: 4q23.
Variant type: Indel.
Coding change: c.749delinsCAGATGTGTATAAGAGAC on transcript NM_001386140.1 (MANE Select); coding-DNA position 749, T replaced by CAGATGTGTATAAGAGAC.
Protein change: p.Ile250fs; shifts the reading frame from isoleucine 250.
Molecular consequence: frameshift variant.
Genome position (GRCh38, 1-based): chr4:99,591,781, T replaced by CAGATGTGTATAAGAGAC. VCF-style: chr4-99591781-T-CAGATGTGTATAAGAGAC. GRCh37 (hg19) VCF-style: chr4-100512938-T-CAGATGTGTATAAGAGAC.
Other names: c.749delinsCAGATGTGTATAAGAGAC, p.Ile250fs (NM_000253.4); c.500delinsCAGATGTGTATAAGAGAC, p.Ile167fs (NM_001300785.2); short protein forms I167fs, I250fs.
Identifiers: ClinVar variation 5010395 (VCV005010395.1).